The following is an entry in ClinVar:

NM_000138.5(FBN1):c.3227T>C (p.Ile1076Thr)

Gene: FBN1 (fibrillin 1; minus strand). Cytogenetic location: 15q21.1.
Variant type: single nucleotide variant.
Coding change: c.3227T>C on transcript NM_000138.5 (MANE Select); coding-DNA position 3227, T replaced by C.
Protein change: p.Ile1076Thr; replaces isoleucine 1076 with threonine.
Molecular consequence: missense variant.
Genome position (GRCh38, 1-based): chr15:48,488,223, A>G on the plus strand (T>C on the coding strand, the complement: FBN1 is on the minus strand). VCF-style: chr15-48488223-A-G. GRCh37 (hg19) VCF-style: chr15-48780420-A-G.
Other names: c.3227T>C, p.Ile1076Thr (NM_001406716.1); short protein forms I1076T.
Identifiers: ClinVar variation 2925322 (VCV002925322.4), dbSNP rs2505552838, ClinGen allele CA392327654.

ClinVar aggregate classification (germline): Conflicting classifications of pathogenicity. Review status: criteria provided, conflicting classifications (1 of 4 stars). 2 submissions from 2 submitters: Likely pathogenic (1); Uncertain significance (1). Last evaluated 2025-08-17.

Conditions:
Familial thoracic aortic aneurysm and aortic dissection (TAAD). Also called: Thoracic aortic aneurysms and dissections. Identifiers: Orphanet 91387, MedGen C4707243, MONDO:0019625.
Marfan syndrome (MFS). Also called: MARFAN SYNDROME, TYPE I; Marfan syndrome type 1; Marfan's syndrome; Marfan syndrome, classic; FBN1-Related Marfan Syndrome. Identifiers: Orphanet 284963, Orphanet 558, MedGen C0024796, MONDO:0007947, OMIM 154700.

Submissions (2):

Ambry Genetics
Classification: Likely pathogenic for Familial thoracic aortic aneurysm and aortic dissection. Last evaluated: 2025-08-17. Review status: criteria provided, single submitter. Criteria: Ambry Variant Classification Scheme 2023. Collection method: clinical testing. Allele origin: germline.
Comment: The c.3227T>C (p.I1076T) alteration is located in exon 27 (coding exon 26) of the FBN1 gene. This alteration results from a T to C substitution at nucleotide position 3227, causing the isoleucine (I) at amino acid position 1076 to be replaced by a threonine (T). This variant was not reported in population-based cohorts in the Genome Aggregation Database (gnomAD). This amino acid position is highly conserved in available vertebrate species. This alteration is predicted to be deleterious by in silico analysis. Based on the available evidence, this alteration is classified as likely pathogenic.

Labcorp Genetics (formerly Invitae), Labcorp
Classification: Uncertain significance for Marfan syndrome; Familial thoracic aortic aneurysm and aortic dissection. Last evaluated: 2024-08-08. Review status: criteria provided, single submitter. Criteria: Invitae Variant Classification Sherloc (09022015). Collection method: clinical testing. Allele origin: germline.
Comment: This sequence change replaces isoleucine, which is neutral and non-polar, with threonine, which is neutral and polar, at codon 1076 of the FBN1 protein (p.Ile1076Thr). This variant is not present in population databases (gnomAD no frequency). This variant has not been reported in the literature in individuals affected with FBN1-related conditions. Advanced modeling of protein sequence and biophysical properties (such as structural, functional, and spatial information, amino acid conservation, physicochemical variation, residue mobility, and thermodynamic stability) performed at Invitae indicates that this missense variant is expected to disrupt FBN1 protein function with a positive predictive value of 95%. In summary, the available evidence is currently insufficient to determine the role of this variant in disease. Therefore, it has been classified as a Variant of Uncertain Significance.